The following is an entry in ClinVar:

ClinVar aggregate classification (germline): Pathogenic/Likely pathogenic. Review status: criteria provided, multiple submitters, no conflicts (2 of 4 stars). 4 submissions from 4 submitters: Pathogenic (2); Likely pathogenic (1). 1 of the submissions does not count toward it. Last evaluated 2024-02-22.

Conditions:
HEXB-related disorders.
Sandhoff disease. Also called: GM2-GANGLIOSIDOSIS, TYPE II; HEXOSAMINIDASES A AND B DEFICIENCY; Beta-hexosaminidase-beta-subunit deficiency; GM2 gangliosidosis, type 2; Total hexosaminidase deficiency; Sandhoff-Jatzkewitz-Pilz disease. Identifiers: Orphanet 796, MedGen C0036161, MONDO:0010006, OMIM 268800.

Allele frequency attached by ClinVar (database versions not stated): gnomAD exomes 0.00001 and 0.00002; ExAC 0.00001.
gnomAD v4.1: 3 of 1,613,212 alleles (0.00019%); highest among the groups gnomAD compares: East Asian, 0.0045%; no homozygotes.

Submissions (4):

Labcorp Genetics (formerly Invitae), Labcorp
Classification: Pathogenic for Sandhoff disease. Last evaluated: 2024-02-22. Review status: criteria provided, single submitter. Criteria: Invitae Variant Classification Sherloc (09022015). Collection method: clinical testing. Allele origin: germline.
Comment: This sequence change replaces glycine, which is neutral and non-polar, with arginine, which is basic and polar, at codon 549 of the HEXB protein (p.Gly549Arg). This variant is present in population databases (rs398123448, gnomAD 0.02%). This missense change has been observed in individual(s) with HEXB-related conditions (PMID: 24022928, 27021291, 28281504). ClinVar contains an entry for this variant (Variation ID: 93200). Advanced modeling of protein sequence and biophysical properties (such as structural, functional, and spatial information, amino acid conservation, physicochemical variation, residue mobility, and thermodynamic stability) performed at Invitae indicates that this missense variant is expected to disrupt HEXB protein function with a positive predictive value of 95%. Algorithms developed to predict the effect of sequence changes on RNA splicing suggest that this variant may disrupt the consensus splice site. For these reasons, this variant has been classified as Pathogenic.

Blueprint Genetics
Classification: Pathogenic for HEXB-related disorders. Last evaluated: 2024-02-13. Review status: criteria provided, single submitter. Criteria: ACMG Guidelines, 2015. Collection method: clinical testing. Allele origin: germline. Affected: yes. Observed: 1 variant allele.

Juno Genomics, Hangzhou Juno Genomics, Inc
Classification: Likely pathogenic for Sandhoff disease. Review status: criteria provided, single submitter. Criteria: ACMG Guidelines, 2015. Collection method: clinical testing. Allele origin: germline. Affected: yes.
Comment: Absent from controls (or at extremely low frequency if recessive) in Genome Aggregation Database, Exome Sequencing Project, 1000 Genomes Project, or Exome Aggregation Consortium.;Multiple lines of computational evidence support a deleterious effect on the gene or gene product (conservation, evolutionary, splicing impact, etc).;For recessive disorders, detected in trans with a pathogenic variant.;Patient's phenotype or family history is highly specific for a disease with a single genetic etiology.

Eurofins Ntd Llc (ga)
Classification: Uncertain significance. Last evaluated: 2012-09-25. Review status: flagged submission. Criteria: EGL Classification Definitions 2015. Collection method: clinical testing. Allele origin: germline. Observed: 5 variant alleles, 5 heterozygotes. Not counted in ClinVar's aggregate classification.
ClinVar note: Reason: Older claim that does not account for recent evidence

Literature cited by the submitters: PubMed 24022928 (cited by Labcorp Genetics (formerly Invitae), Labcorp); PubMed 27021291 (cited by Labcorp Genetics (formerly Invitae), Labcorp); PubMed 28281504 (cited by Labcorp Genetics (formerly Invitae), Labcorp).

NM_000521.4(HEXB):c.1645G>A (p.Gly549Arg)

Gene: HEXB (hexosaminidase subunit beta; plus strand). Cytogenetic location: 5q13.3.
Variant type: single nucleotide variant.
Coding change: c.1645G>A on transcript NM_000521.4 (MANE Select); coding-DNA position 1645, G replaced by A.
Protein change: p.Gly549Arg; replaces glycine 549 with arginine.
Molecular consequence: missense variant.
Genome position (GRCh38, 1-based): chr5:74,721,149, G>A. VCF-style: chr5-74721149-G-A. GRCh37 (hg19) VCF-style: chr5-74016974-G-A.
Other names: c.970G>A, p.Gly324Arg (NM_001292004.2); short protein forms G549R, G324R.
Identifiers: ClinVar variation 93200 (VCV000093200.13), dbSNP rs398123448, ClinGen allele CA221070.